The following is an entry in ClinVar:

NM_007194.4(CHEK2):c.78_85del (p.Gln27fs)

Gene: CHEK2 (checkpoint kinase 2; minus strand). Cytogenetic location: 22q12.1.
Variant type: Deletion.
Coding change: c.78_85del on transcript NM_007194.4 (MANE Select); coding-DNA positions 78 to 85, 8 bases deleted (CCAGTCCC; older notation c.78_85delCCAGTCCC).
Protein change: p.Gln27fs; shifts the reading frame from glutamine 27.
Molecular consequence: frameshift variant.
Genome position (GRCh38, 1-based): chr22:28,734,637-28,734,644, GGGACTGG deleted on the plus strand (CCAGTCCC on the coding strand, the reverse complement: CHEK2 is on the minus strand); deleting any 8 consecutive bases within chr22:28,734,637-28,734,645 gives the same sequence; the c. name uses the placement nearest the transcript's 3' end. VCF-style (leftmost placement, unchanged base first): chr22-28734636-TGGGACTGG-T. GRCh37 (hg19) VCF-style: chr22-29130624-TGGGACTGG-T.
Other names: c.77_84delCCCAGTCC, p.Gln27Argfs (NM_145862.3, NM_001005735.3, NM_001349956.3); c.-701_-694delCCCAGTCC (NM_001257387.3); short protein forms Q27fs.
Identifiers: ClinVar variation 648703 (VCV000648703.7), dbSNP rs1601853585, ClinGen allele CA915952750.

ClinVar aggregate classification (germline): Pathogenic (1 of 4 stars; one submission).

Conditions:
Familial cancer of breast. Also called: hereditary breast carcinoma; Hereditary breast cancer; BREAST CANCER, FAMILIAL. Identifiers: Orphanet 227535, MedGen C0346153, MONDO:0016419, OMIM 114480. Disease mechanism: loss of function.

Submission:

Labcorp Genetics (formerly Invitae), Labcorp
Classification: Pathogenic for Familial cancer of breast. Last evaluated: 2018-09-19. Review status: criteria provided, single submitter. Criteria: Invitae Variant Classification Sherloc (09022015). Collection method: clinical testing. Allele origin: germline.
Comment: For these reasons, this variant has been classified as Pathogenic. Loss-of-function variants in CHEK2 are known to be pathogenic (PMID: 21876083, 24713400). This variant has not been reported in the literature in individuals with CHEK2-related disease. This variant is not present in population databases (ExAC no frequency). This sequence change creates a premature translational stop signal (p.Gln27Argfs*47) in the CHEK2 gene. It is expected to result in an absent or disrupted protein product.

Literature cited by the submitters: PubMed 21876083; PubMed 24713400.